The following is an entry in ClinVar:

NM_000245.4(MET):c.1154G>A (p.Cys385Tyr)

Gene: MET (MET proto-oncogene, receptor tyrosine kinase; plus strand). Cytogenetic location: 7q31.2.
Variant type: single nucleotide variant.
Coding change: c.1154G>A on transcript NM_000245.4 (MANE Select); coding-DNA position 1154, G replaced by A.
Protein change: p.Cys385Tyr; replaces cysteine 385 with tyrosine.
Molecular consequence: missense variant. On other transcripts: intron variant (1).
Genome position (GRCh38, 1-based): chr7:116,700,238, G>A. VCF-style: chr7-116700238-G-A. GRCh37 (hg19) VCF-style: chr7-116340292-G-A.
Other names: c.1154G>A, p.Cys385Tyr (NM_001127500.3, NM_001324401.3); c.-91+27661G>A (NM_001324402.2); short protein forms C385Y.
Identifiers: ClinVar variation 3627947 (VCV003627947.3).

ClinVar aggregate classification (germline): Uncertain significance. Review status: criteria provided, multiple submitters, no conflicts (2 of 4 stars). 2 submissions from 2 submitters: Uncertain significance (2). Last evaluated 2025-11-04.

Conditions:
Renal cell carcinoma. Identifiers: Orphanet 217071, MedGen C0007134, MeSH D002292, MONDO:0005086, HP:0005584.
Hereditary cancer-predisposing syndrome. Also called: Tumor predisposition; Hereditary neoplastic syndrome; Neoplastic Syndromes, Hereditary; Hereditary Cancer Syndrome. Identifiers: Orphanet 140162, MedGen C0027672, MeSH D009386, MONDO:0015356.

gnomAD v4.1: 2 of 1,599,696 alleles (0.00013%); highest among the groups gnomAD compares: Admixed American, 0.0018%; no homozygotes.

Submissions (2):

Ambry Genetics
Classification: Uncertain significance for Hereditary cancer-predisposing syndrome. Last evaluated: 2025-11-04. Review status: criteria provided, single submitter. Criteria: Ambry Variant Classification Scheme 2023. Collection method: clinical testing. Allele origin: germline.
Comment: The p.C385Y variant (also known as c.1154G>A), located in coding exon 1 of the MET gene, results from a G to A substitution at nucleotide position 1154. The cysteine at codon 385 is replaced by tyrosine, an amino acid with highly dissimilar properties. This amino acid position is well conserved in available vertebrate species. In addition, the in silico prediction for this alteration is inconclusive. Based on the available evidence, the clinical significance of this variant remains unclear.

Labcorp Genetics (formerly Invitae), Labcorp
Classification: Uncertain significance for Renal cell carcinoma. Last evaluated: 2024-07-09. Review status: criteria provided, single submitter. Criteria: Invitae Variant Classification Sherloc (09022015). Collection method: clinical testing. Allele origin: germline.
Comment: This sequence change replaces cysteine, which is neutral and slightly polar, with tyrosine, which is neutral and polar, at codon 385 of the MET protein (p.Cys385Tyr). This variant is present in population databases (rs752055485, gnomAD 0.003%). This variant has not been reported in the literature in individuals affected with MET-related conditions. Advanced modeling of protein sequence and biophysical properties (such as structural, functional, and spatial information, amino acid conservation, physicochemical variation, residue mobility, and thermodynamic stability) performed at Invitae indicates that this missense variant is expected to disrupt MET protein function with a positive predictive value of 80%. Experimental studies have shown that this missense change affects MET function (PMID: 20949619). In summary, the available evidence is currently insufficient to determine the role of this variant in disease. Therefore, it has been classified as a Variant of Uncertain Significance.

Literature cited by the submitters: PubMed 20949619 (cited by Labcorp Genetics (formerly Invitae), Labcorp).